The following is an entry in ClinVar:

ClinVar aggregate classification (germline): Pathogenic (1 of 4 stars; one submission).

Submission:

GeneDx
Classification: Pathogenic. Last evaluated: 2023-04-19. Review status: criteria provided, single submitter. Criteria: GeneDx Variant Classification Process June 2021. Collection method: clinical testing. Allele origin: germline. Affected: yes.
Comment: Frameshift variant predicted to result in protein truncation or nonsense mediated decay in a gene for which loss of function is a known mechanism of disease; Not observed at significant frequency in large population cohorts (gnomAD); This variant is associated with the following publications: (PMID: 25424711)

NM_012330.4(KAT6B):c.3366_3369del (p.Lys1124fs)

Gene: KAT6B (lysine acetyltransferase 6B; plus strand). Cytogenetic location: 10q22.2.
Variant type: Deletion.
Coding change: c.3366_3369del on transcript NM_012330.4 (MANE Select); coding-DNA positions 3366 to 3369, 4 bases deleted (GAGA; older notation c.3366_3369delGAGA).
Protein change: p.Lys1124fs; shifts the reading frame from lysine 1124.
Molecular consequence: frameshift variant.
Genome position (GRCh38, 1-based): chr10:75,022,225-75,022,228, GAGA deleted; deleting any 4 consecutive bases within chr10:75,022,224-75,022,228 gives the same sequence; the c. name uses the placement nearest the transcript's 3' end. VCF-style (leftmost placement, unchanged base first): chr10-75022223-AAGAG-A. GRCh37 (hg19) VCF-style: chr10-76781981-AAGAG-A.
Other names: c.2490_2493del, p.Lys832fs (NM_001256469.2, NM_001370139.1, NM_001370140.1 and 2 more transcripts); c.2328_2331del, p.Lys778fs (NM_001370132.1); c.1677_1680del, p.Lys561fs (NM_001370133.1); c.1281_1284del, p.Lys429fs (NM_001370134.1); c.1023_1026del, p.Lys343fs (NM_001370135.1); c.3366_3369del, p.Lys1124fs (NM_001370136.1, NM_001370137.1); c.2817_2820del, p.Lys941fs (NM_001370138.1, NM_001256468.2); c.2301_2304del, p.Lys769fs (NM_001370143.1, NM_001370144.1); short protein forms K1124fs, K343fs, K429fs, K561fs, K769fs, K778fs, K832fs, K941fs.
Identifiers: ClinVar variation 2661924 (VCV002661924.1), dbSNP rs2549171635, ClinGen allele CA2695200853.
Genomic context (GRCh38, chr10:75,022,223, plus strand): 5'-GAAGAAGAAAATATTCAAAGCTCTCCCCCAAGATTGACGAAACCACAGTCAGTTGCCATA[AAGAG>A]AAAGGTAGGTGTCTGTTTAGATTTTCTGTGAGTCGCGTTCAATCAAATCTTATTTGTCAT-3'